The following is an entry in ClinVar:

ClinVar aggregate classification (germline): Uncertain significance (0 of 4 stars; one submission).

Conditions:
DACT1-related disorder. Also called: DACT1-related condition.

Submission:

PreventionGenetics, part of Exact Sciences
Classification: Uncertain significance for DACT1-related condition. Last evaluated: 2024-04-28. Review status: no assertion criteria provided. Collection method: clinical testing. Allele origin: germline.
Comment: The DACT1 c.253C>A variant is predicted to result in the amino acid substitution p.Arg85Ser. To our knowledge, this variant has not been reported in the literature or in a large population database, indicating this variant is rare. At this time, the clinical significance of this variant is uncertain due to the absence of conclusive functional and genetic evidence.

NM_001079520.2(DACT1):c.253C>A (p.Arg85Ser)

Genes: DACT1 (dishevelled binding antagonist of beta catenin 1; plus strand), LOC130055736 (ATAC-STARR-seq lymphoblastoid silent region 5801; plus strand). Cytogenetic location: 14q23.1.
Variant type: single nucleotide variant.
Coding change: c.253C>A on transcript NM_001079520.2 (MANE Select); coding-DNA position 253, C replaced by A.
Protein change: p.Arg85Ser; replaces arginine 85 with serine.
Molecular consequence: missense variant.
Genome position (GRCh38, 1-based): chr14:58,638,455, C>A. VCF-style: chr14-58638455-C-A. GRCh37 (hg19) VCF-style: chr14-59105173-C-A.
Other names: c.253C>A, p.Arg85Ser (NM_016651.6); short protein forms R85S.
Identifiers: ClinVar variation 3344680 (VCV003344680.1).
Genomic context (GRCh38, chr14:58,638,455, plus strand): 5'-CAAGAGCTGCTGGTCAGGGGCGCCCTGCGCGGCGCCGGGGGTGCGGGAGCCGCTGCGCCC[C>A]GCGCTGGGGAGCTACTGGGGGAGGCGGCGCAGCGCAGTCGCCTGGAGGAGAAGTTCTTGG-3'
Protein context (NP_001072988.1, residues 75-95): GAGGAGAAAP[Arg85Ser]AGELLGEAAQ